The following is an entry in ClinVar:

ClinVar aggregate classification (germline): Conflicting classifications of pathogenicity. Review status: criteria provided, conflicting classifications (1 of 4 stars). 3 submissions from 3 submitters: Likely pathogenic (1); Uncertain significance (1). 1 of the submissions does not count toward it. Last evaluated 2025-10-13.

Conditions:
COL18A1-related disorder. Also called: COL18A1-related disorders; COL18A1-related condition.

Submissions (3):

Labcorp Genetics (formerly Invitae), Labcorp
Classification: Likely pathogenic. Last evaluated: 2025-10-13. Review status: criteria provided, single submitter. Criteria: Invitae Variant Classification Sherloc (09022015). Collection method: clinical testing. Allele origin: germline.
Comment: This sequence change affects an acceptor splice site in intron 22 of the COL18A1 gene. It is expected to disrupt RNA splicing. Variants that disrupt the donor or acceptor splice site typically lead to a loss of protein function (PMID: 16199547), and loss-of-function variants in COL18A1 are known to be pathogenic (PMID: 12415512, 25456301). This variant is not present in population databases (gnomAD no frequency). This variant has not been reported in the literature in individuals affected with COL18A1-related conditions. ClinVar contains an entry for this variant (Variation ID: 3357989). Algorithms developed to predict the effect of sequence changes on RNA splicing suggest that this variant may disrupt the consensus splice site. In summary, the currently available evidence indicates that the variant is pathogenic, but additional data are needed to prove that conclusively. Therefore, this variant has been classified as Likely Pathogenic.

Blueprint Genetics
Classification: Uncertain significance. Last evaluated: 2023-09-23. Review status: criteria provided, single submitter. Criteria: ACMG Guidelines, 2015. Collection method: clinical testing. Allele origin: germline.

PreventionGenetics, part of Exact Sciences
Classification: Uncertain significance for COL18A1-related condition. Last evaluated: 2024-09-04. Review status: no assertion criteria provided. Collection method: clinical testing. Allele origin: germline. Not counted in ClinVar's aggregate classification.
Comment: The COL18A1 c.2698-2_2698-1delAG variant is predicted to result in a deletion affecting a canonical splice site. To our knowledge, this variant has not been reported in the literature. This variant is expected to abolish the canonical splice site at the junction of intron 21 and exon 21; if this exon is skipped, however, the result may be an in-frame deletion of 10 amino acids. This variant is reported in one individual in the 'Other/remaining individuals' section of the gnomAD database. Although we suspect that this variant may be pathogenic, at this time, the clinical significance of this variant is uncertain due to the absence of conclusive functional and genetic evidence.

Literature cited by the submitters: PubMed 16199547 (cited by Labcorp Genetics (formerly Invitae), Labcorp); PubMed 12415512 (cited by Labcorp Genetics (formerly Invitae), Labcorp); PubMed 25456301 (cited by Labcorp Genetics (formerly Invitae), Labcorp).

NM_001379500.1(COL18A1):c.2158-2_2158-1del

Gene: COL18A1 (collagen type XVIII alpha 1 chain; plus strand). Cytogenetic location: 21q22.3.
Variant type: Deletion.
Coding change: c.2158-2_2158-1del on transcript NM_001379500.1 (MANE Select); the canonical splice acceptor site of the intron before coding-DNA position 2158, 2 bases deleted (AG; older notation c.2158-2_2158-1delAG).
Molecular consequence: splice acceptor variant.
Genome position (GRCh38, 1-based): chr21:45,492,533-45,492,534, AG deleted. VCF-style (leftmost placement, unchanged base first): chr21-45492532-CAG-C. GRCh37 (hg19) VCF-style: chr21-46912446-CAG-C.
Other names: c.3403-2_3403-1del (NM_130444.3); c.2698-2_2698-1del (NM_030582.4).
Identifiers: ClinVar variation 3357989 (VCV003357989.3).